The following is an entry in ClinVar:

ClinVar aggregate classification (germline): Uncertain significance (1 of 4 stars; one submission).

Allele frequency attached by ClinVar (database versions not stated): ExAC 0.00001; gnomAD exomes 0.00001.
gnomAD v4.1: 8 of 1,614,196 alleles (0.0005%); highest among the groups gnomAD compares: Non-Finnish European, 0.00068%; no homozygotes.

Submission:

Labcorp Genetics (formerly Invitae), Labcorp
Classification: Uncertain significance. Last evaluated: 2022-07-17. Review status: criteria provided, single submitter. Criteria: Invitae Variant Classification Sherloc (09022015). Collection method: clinical testing. Allele origin: germline.
Comment: This sequence change replaces glycine, which is neutral and non-polar, with valine, which is neutral and non-polar, at codon 164 of the TEAD1 protein (p.Gly164Val). This variant is present in population databases (rs758114482, gnomAD 0.0009%). This variant has not been reported in the literature in individuals affected with TEAD1-related conditions. Algorithms developed to predict the effect of missense changes on protein structure and function are either unavailable or do not agree on the potential impact of this missense change (SIFT: "Deleterious"; PolyPhen-2: "Benign"; Align-GVGD: "Class C0"). In summary, the available evidence is currently insufficient to determine the role of this variant in disease. Therefore, it has been classified as a Variant of Uncertain Significance.

NM_021961.6(TEAD1):c.491G>T (p.Gly164Val)

Gene: TEAD1 (TEA domain transcription factor 1; plus strand). Cytogenetic location: 11p15.3.
Variant type: single nucleotide variant.
Coding change: c.491G>T on transcript NM_021961.6 (MANE Select); coding-DNA position 491, G replaced by T.
Protein change: p.Gly164Val; replaces glycine 164 with valine.
Molecular consequence: missense variant.
Genome position (GRCh38, 1-based): chr11:12,881,030, G>T. VCF-style: chr11-12881030-G-T. GRCh37 (hg19) VCF-style: chr11-12902577-G-T.
Other names: short protein forms G164V.
Identifiers: ClinVar variation 1978438 (VCV001978438.4), dbSNP rs758114482, ClinGen allele CA5891621.